The following is an entry in ClinVar:

NM_138694.4(PKHD1):c.4837del (p.Cys1613fs)

Genes: PKHD1 (PKHD1 ciliary IPT domain containing fibrocystin/polyductin; minus strand), LOC126859690 (MED14-independent group 3 enhancer GRCh37_chr6:51888848-51890047; plus strand). Cytogenetic location: 6p12.2.
Variant type: Deletion.
Coding change: c.4837del on transcript NM_138694.4 (MANE Select); coding-DNA position 4837, one base deleted (T; older notation c.4837delT).
Protein change: p.Cys1613fs; shifts the reading frame from cysteine 1613.
Molecular consequence: frameshift variant.
Genome position (GRCh38, 1-based): chr6:52,024,973, A deleted on the plus strand (T on the coding strand, the reverse complement: PKHD1 is on the minus strand). VCF-style (leftmost placement, unchanged base first): chr6-52024972-CA-C. GRCh37 (hg19) VCF-style: chr6-51889770-CA-C.
Other names: c.4837del, p.Cys1613fs (NM_170724.3); short protein forms C1613fs.
Identifiers: ClinVar variation 4816679 (VCV004816679.2).

ClinVar aggregate classification (germline): Likely pathogenic (1 of 4 stars; one submission).

Conditions:
Autosomal recessive polycystic kidney disease (ARPKD). Also called: AR polycystic kidney disease. Identifiers: Orphanet 731, Orphanet 8378, MedGen C0085548, MeSH D017044, MONDO:0009889.

Submission:

Natera, Inc.
Classification: Likely pathogenic for Autosomal recessive polycystic kidney disease. Last evaluated: 2025-11-03. Review status: criteria provided, single submitter. Criteria: Natera Variant Classification Schema (03/2026). Collection method: clinical testing. Allele origin: germline.
Comment: The c.4837del variant in PKHD1 is a frameshift variant predicted to shift the reading frame beginning at codon 1613 and leads to a stop codon 2 codons downstream. This variant is expected to result in nonsense mediated decay, truncation, or a dysfunctional protein product. This variant is rare in the general population with a frequency below the threshold expected for the associated phenotype(s). Given the available evidence, this variant is classified as Likely Pathogenic.